The following is an entry in ClinVar:

ClinVar aggregate classification (germline): Likely pathogenic (1 of 4 stars; one submission).

Conditions:
Glycogen storage disease type III (GSD3). Also called: FORBES DISEASE; Cori disease. Identifiers: Orphanet 366, MedGen C0017922, MONDO:0009291, OMIM 232400.

Submission:

Myriad Genetics, Inc.
Classification: Likely pathogenic for Glycogen storage disease type III. Last evaluated: 2022-03-06. Review status: criteria provided, single submitter. Criteria: Myriad Women's Health Autosomal Recessive and X-Linked Classification Criteria (2021). Collection method: clinical testing. Allele origin: unknown.
Comment: NM_000642.2(AGL):c.408T>A(C136*) is expected to be pathogenic in the context of glycogen storage disease type III. This variant is predicted to lead to an abnormal or absent protein product due to the creation of a premature termination codon in AGL, a gene where loss-of-function variants are known to be pathogenic. Please note: this variant was assessed in the context of healthy population screening.

NM_000642.3(AGL):c.408T>A (p.Cys136Ter)

Gene: AGL (amylo-alpha-1,6-glucosidase and 4-alpha-glucanotransferase; plus strand). Cytogenetic location: 1p21.2.
Variant type: single nucleotide variant.
Coding change: c.408T>A on transcript NM_000642.3 (MANE Select); coding-DNA position 408, T replaced by A.
Protein change: p.Cys136Ter; replaces cysteine 136 with a stop codon.
Molecular consequence: nonsense.
Genome position (GRCh38, 1-based): chr1:99,862,371, T>A. VCF-style: chr1-99862371-T-A. GRCh37 (hg19) VCF-style: chr1-100327927-T-A.
Other names: c.408T>A, p.Cys136Ter (NM_000028.3, NM_000643.3, NM_000644.3 and 5 more transcripts); c.360T>A, p.Cys120Ter (NM_000646.3); short protein forms C120*, C136*.
Identifiers: ClinVar variation 1725071 (VCV001725071.2), dbSNP rs2524499198, ClinGen allele CA341332177.